The following is an entry in ClinVar:

NM_001004334.4(GPR179):c.1913C>A (p.Pro638His)

Gene: GPR179 (G protein-coupled receptor 179; minus strand). Cytogenetic location: 17q12.
Variant type: single nucleotide variant.
Coding change: c.1913C>A on transcript NM_001004334.4 (MANE Select); coding-DNA position 1913, C replaced by A.
Protein change: p.Pro638His; replaces proline 638 with histidine.
Molecular consequence: missense variant.
Genome position (GRCh38, 1-based): chr17:38,333,375, G>T on the plus strand (C>A on the coding strand, the complement: GPR179 is on the minus strand). VCF-style: chr17-38333375-G-T. GRCh37 (hg19) VCF-style: chr17-36489258-G-T.
Other names: short protein forms P638H.
Identifiers: ClinVar variation 2113301 (VCV002113301.4), dbSNP rs1467527015, ClinGen allele CA398885629.

ClinVar aggregate classification (germline): Uncertain significance (1 of 4 stars; one submission).

Allele frequency attached by ClinVar (database versions not stated): gnomAD 0.00001.
gnomAD v4.1: 2 of 1,613,808 alleles (0.00012%); highest among the groups gnomAD compares: African/African-American, 0.0013%; no homozygotes.

Submission:

Labcorp Genetics (formerly Invitae), Labcorp
Classification: Uncertain significance. Last evaluated: 2022-03-17. Review status: criteria provided, single submitter. Criteria: Invitae Variant Classification Sherloc (09022015). Collection method: clinical testing. Allele origin: germline.
Comment: This sequence change replaces proline, which is neutral and non-polar, with histidine, which is basic and polar, at codon 638 of the GPR179 protein (p.Pro638His). This variant is present in population databases (no rsID available, gnomAD 0.01%). This variant has not been reported in the literature in individuals affected with GPR179-related conditions. Algorithms developed to predict the effect of missense changes on protein structure and function are either unavailable or do not agree on the potential impact of this missense change (SIFT: "Deleterious"; PolyPhen-2: "Possibly Damaging"; Align-GVGD: "Class C0"). In summary, the available evidence is currently insufficient to determine the role of this variant in disease. Therefore, it has been classified as a Variant of Uncertain Significance.